The following is an entry in ClinVar:

ClinVar aggregate classification (germline): Likely pathogenic (1 of 4 stars; one submission).

Conditions:
Alport syndrome. Also called: Hemorrhagic familial nephritis; Hemorrhagic hereditary nephritis; Congenital hereditary hematuria. Identifiers: Orphanet 63, MedGen C1567741, MONDO:0018965.

Submission:

Victorian Clinical Genetics Services, Murdoch Childrens Research Institute
Classification: Likely pathogenic for Alport syndrome. Last evaluated: 2023-07-17. Review status: criteria provided, single submitter. Criteria: ACMG Guidelines, 2015. Collection method: clinical testing. Allele origin: germline. Affected: yes.
Comment: Based on the classification scheme VCGS_Germline_v1.3.4, this variant is classified as Likely Pathogenic. Following criteria are met: 0103 - Dominant negative and loss of function are known mechanisms of disease in this gene and are associated with COL4A3-related nephropathy. Glycine changes that are part of a Gly-X-Y repeat in the triple helix of a collagen domain are known to have a dominant negative effect (PMID: 12028435). (I) 0108 - This gene is associated with both recessive (Alport syndrome 2 MIM#203780) and dominant disease (Alport syndrome 3 MIM#104200 and benign familial hematuria MIM#141200) (OMIM). (I) 0115 - Variants in this gene are known to have variable expressivity (PMID: 30450445). (I) 0216 - In-frame deletion in a non-repetitive region that has low conservation. (SP) 0251 - This variant is heterozygous. (I) 0301 - Variant is absent from gnomAD (both v2 and v3). (SP) 0601 - Variant is located in the well-established functional Gly-X-Y motif in the collagen triple helical domain (DECIPHER). (SP) 0705 - No comparable in-frame deletions have previous evidence for pathogenicity. (I) 0807 - This variant has no previous evidence of pathogenicity. (I) 0905 - No published segregation evidence has been identified for this variant. (I) 1007 - No published functional evidence has been identified for this variant. (I) 1208 - Inheritance information for this variant is not currently available in this individual. (I) Legend: (SP) - Supporting pathogenic, (I) - Information, (SB) - Supporting benign

Literature cited by the submitters: PubMed 12028435; PubMed 30450445.

NM_000091.5(COL4A3):c.2961_2978del (p.Ala990_Pro995del)

Genes: COL4A3 (collagen type IV alpha 3 chain; plus strand), MFF-DT (MFF divergent transcript; minus strand). Cytogenetic location: 2q36.3.
Variant type: Deletion.
Coding change: c.2961_2978del on transcript NM_000091.5 (MANE Select); coding-DNA positions 2961 to 2978, 18 bases deleted (CGGACCAGCAGGACCACC).
Protein change: p.Ala990_Pro995del.
Molecular consequence: inframe indel (on NM_000091.4).
Genome position (GRCh38, 1-based): chr2:227,289,229-227,289,246, CGGACCAGCAGGACCACC deleted; deleting any 18 consecutive bases within chr2:227,289,226-227,289,246 gives the same sequence; the c. name uses the placement nearest the transcript's 3' end. VCF-style (leftmost placement, unchanged base first): chr2-227289225-TACCCGGACCAGCAGGACC-T. GRCh37 (hg19) VCF-style: chr2-228153941-TACCCGGACCAGCAGGACC-T.
Other names: c.2961_2978del18, p.Ala990_Pro995del (NM_000091.4).
Identifiers: ClinVar variation 3376725 (VCV003376725.1).
Genomic context (GRCh38, chr2:227,289,225, plus strand): 5'-CAGGTGAGAAAGGAAACAGAGGCGTTCCAGGGATGCCAGGTTTAAAGGGCCTCAAAGGAC[TACCCGGACCAGCAGGACC>T]ACCAGGTACAGCTGATTCTCAAATAGAAAAATATCACATTTTACACTTTCCTACATCTAA-3'